The following is an entry in ClinVar:

NM_014009.4(FOXP3):c.1154T>A (p.Ile385Asn)

Gene: FOXP3 (forkhead box P3; minus strand). Cytogenetic location: Xp11.23.
Variant type: single nucleotide variant.
Coding change: c.1154T>A on transcript NM_014009.4 (MANE Select); coding-DNA position 1154, T replaced by A.
Protein change: p.Ile385Asn; replaces isoleucine 385 with asparagine.
Molecular consequence: missense variant.
Genome position (GRCh38, 1-based): chrX:49,251,476, A>T on the plus strand (T>A on the coding strand, the complement: FOXP3 is on the minus strand). VCF-style: chrX-49251476-A-T. GRCh37 (hg19) VCF-style: chrX-49107937-A-T.
Other names: c.1049T>A, p.Ile350Asn (NM_001114377.2); short protein forms I350N, I385N.
Identifiers: ClinVar variation 2632996 (VCV002632996.1), dbSNP rs2519185876, ClinGen allele CA412947712.

ClinVar aggregate classification (germline): Likely pathogenic (1 of 4 stars; one submission).

Conditions:
FOXP3-related disorder. Also called: FOXP3-related condition.

Submission:

PreventionGenetics, part of Exact Sciences
Classification: Likely pathogenic for FOXP3-related condition. Last evaluated: 2023-05-03. Review status: criteria provided, single submitter. Criteria: ACMG Guidelines, 2015. Collection method: clinical testing. Allele origin: germline.
Comment: The FOXP3 c.1154T>A variant is predicted to result in the amino acid substitution p.Ile385Asn. To our knowledge, this variant has not been reported in the literature or in a large population database, indicating this variant is rare. This variant is interpreted as likely pathogenic.